The following is an entry in ClinVar:

ClinVar aggregate classification (germline): Pathogenic. Review status: criteria provided, multiple submitters, no conflicts (2 of 4 stars). 2 submissions from 2 submitters: Pathogenic (2). Last evaluated 2024-06-07.

Conditions:
Mucopolysaccharidosis, MPS-II (MPS2). Also called: Hunter Syndrome; Mucopolysaccharidosis with skin involvement; Mucopolysaccharidosis type 2; IDURONATE 2-SULFATASE DEFICIENCY; Mucopolysaccharidosis Type II; IDS deficiency. Identifiers: Orphanet 580, Orphanet 79388, MedGen C0026705, MONDO:0010674, OMIM 309900.

Submissions (2):

Laboratory of Diagnosis and Therapy of Lysosomal Disorders, University of Padova
Classification: Pathogenic for Mucopolysaccharidosis, MPS-II. Last evaluated: 2024-06-07. Review status: criteria provided, single submitter. Criteria: ACMG Guidelines, 2015. Collection method: literature only. Allele origin: germline. Affected: yes. Observed: 1 variant allele.
Comment: Null variant (PVS1_VeryStrong), Absent from controls (or at low frequency) in gnomAD database (PM2_Moderate), Patient’s phenotype or family history highly specific for the disease (PP4_Strong)

Classification method: ACMG Guidelines [PMID:25741868] with modifications

MOLECULAR BIOLOGY LABORATORY, INSTITUTO NACIONAL DE PEDIATRIA
Classification: Pathogenic for Mucopolysaccharidosis, MPS-II. Last evaluated: 2015-10-18. Review status: criteria provided, single submitter. Criteria: ACMG Guidelines, 2007. Collection method: research. Allele origin: maternal. Affected: yes. Observed: 1 variant allele.

Literature cited by the submitters: PubMed 26762690 (cited by Laboratory of Diagnosis and Therapy of Lysosomal Disorders, University of Padova and MOLECULAR BIOLOGY LABORATORY, INSTITUTO NACIONAL DE PEDIATRIA).

NM_000202.8(IDS):c.463_464delinsCCGTATAGCTGG (p.Phe155fs)

Genes: IDS (iduronate 2-sulfatase; minus strand), LOC106050102 (IDS recombination region; plus strand). Cytogenetic location: Xq28.
Variant type: Indel.
Coding change: c.463_464delinsCCGTATAGCTGG on transcript NM_000202.8 (MANE Select); coding-DNA positions 463 to 464, TT replaced by CCGTATAGCTGG.
Protein change: p.Phe155fs; shifts the reading frame from phenylalanine 155.
Molecular consequence: frameshift variant. On other transcripts: non-coding transcript variant (1).
Genome position (GRCh38, 1-based): chrX:149,500,992-149,500,993, AA replaced by CCAGCTATACGG on the plus strand (TT replaced by CCGTATAGCTGG on the coding strand, the reverse complement: IDS is on the minus strand). VCF-style: chrX-149500992-AA-CCAGCTATACGG. GRCh37 (hg19) VCF-style: chrX-148582523-AA-CCAGCTATACGG.
Other names: c.193_194delinsCCGTATAGCTGG, p.Phe65fs (NM_001166550.4); c.463_464delinsCCGTATAGCTGG, p.Phe155fs (NM_006123.5); short protein forms F155fs, F65fs.
Identifiers: ClinVar variation 221973 (VCV000221973.3), dbSNP rs869025304, ClinGen allele CA356955.